The following is an entry in ClinVar:

ClinVar aggregate classification (germline): Uncertain significance (1 of 4 stars; one submission).

Conditions:
Combined immunodeficiency due to LRBA deficiency. Also called: Common variable immunodeficiency 8, with autoimmunity. Identifiers: Orphanet 445018, MedGen C3553512, MONDO:0013863, OMIM 614700.

Allele frequency attached by ClinVar (database versions not stated): gnomAD exomes 0.00001 and 0.00002.
gnomAD v4.1: 8 of 1,613,502 alleles (0.0005%); highest among the groups gnomAD compares: East Asian, 0.0045%; no homozygotes.

Submission:

Labcorp Genetics (formerly Invitae), Labcorp
Classification: Uncertain significance for Combined immunodeficiency due to LRBA deficiency. Last evaluated: 2024-11-18. Review status: criteria provided, single submitter. Criteria: Invitae Variant Classification Sherloc (09022015). Collection method: clinical testing. Allele origin: germline.
Comment: This sequence change replaces tyrosine, which is neutral and polar, with cysteine, which is neutral and slightly polar, at codon 624 of the LRBA protein (p.Tyr624Cys). This variant is present in population databases (no rsID available, gnomAD 0.007%). This variant has not been reported in the literature in individuals affected with LRBA-related conditions. ClinVar contains an entry for this variant (Variation ID: 998965). Invitae Evidence Modeling of protein sequence and biophysical properties (such as structural, functional, and spatial information, amino acid conservation, physicochemical variation, residue mobility, and thermodynamic stability) indicates that this missense variant is not expected to disrupt LRBA protein function with a negative predictive value of 80%. In summary, the available evidence is currently insufficient to determine the role of this variant in disease. Therefore, it has been classified as a Variant of Uncertain Significance.

NM_001364905.1(LRBA):c.1871A>G (p.Tyr624Cys)

Gene: LRBA (LPS responsive beige-like anchor protein; minus strand). Cytogenetic location: 4q31.3.
Variant type: single nucleotide variant.
Coding change: c.1871A>G on transcript NM_001364905.1 (MANE Select); coding-DNA position 1871, A replaced by G.
Protein change: p.Tyr624Cys; replaces tyrosine 624 with cysteine.
Molecular consequence: missense variant.
Genome position (GRCh38, 1-based): chr4:150,900,102, T>C on the plus strand (A>G on the coding strand, the complement: LRBA is on the minus strand). VCF-style: chr4-150900102-T-C. GRCh37 (hg19) VCF-style: chr4-151821254-T-C.
Other names: c.1871A>G, p.Tyr624Cys (NM_001199282.3, NM_001367550.1, NM_006726.5); short protein forms Y624C.
Identifiers: ClinVar variation 998965 (VCV000998965.7), dbSNP rs1021695325, ClinGen allele CA107816331.
Genomic context (GRCh38, chr4:150,900,102, plus strand): 5'-TATATACCTAATCCTTTTGGGGTGATACCACTTCGATCCTGAGGATTCACTGCCCAGTAG[T>C]AGTACTTCAGCGTGTGCATGATGAGAAGCACTGTTCCAACTCTCCGAATGGTGTTATATA-3'
Protein context (NP_001351834.1, residues 614-634): VLLIMHTLKY[Tyr624Cys]YWAVNPQDRS